The following is an entry in ClinVar:

ClinVar aggregate classification (germline): Uncertain significance (1 of 4 stars; one submission).

Conditions:
Inborn genetic diseases. Identifiers: MedGen C0950123, MeSH D030342.

gnomAD v4.1: 1 of 1,613,100 alleles (0.000062%); highest among the groups gnomAD compares: Non-Finnish European, 0.000085%; no homozygotes.

Submission:

Ambry Genetics
Classification: Uncertain significance for Inborn genetic diseases. Last evaluated: 2022-02-22. Review status: criteria provided, single submitter. Criteria: Ambry Variant Classification Scheme 2023. Collection method: clinical testing. Allele origin: germline.
Comment: The p.P1846L variant (also known as c.5537C>T), located in coding exon 38 of the LRRK2 gene, results from a C to T substitution at nucleotide position 5537. The proline at codon 1846 is replaced by leucine, an amino acid with similar properties. This amino acid position is conserved. In addition, the in silico prediction for this alteration is inconclusive. Since supporting evidence is limited at this time, the clinical significance of this alteration remains unclear.

NM_198578.4(LRRK2):c.5537C>T (p.Pro1846Leu)

Gene: LRRK2 (leucine rich repeat kinase 2; plus strand). Cytogenetic location: 12q12.
Variant type: single nucleotide variant.
Coding change: c.5537C>T on transcript NM_198578.4 (MANE Select); coding-DNA position 5537, C replaced by T.
Protein change: p.Pro1846Leu; replaces proline 1846 with leucine.
Molecular consequence: missense variant.
Genome position (GRCh38, 1-based): chr12:40,323,187, C>T. VCF-style: chr12-40323187-C-T. GRCh37 (hg19) VCF-style: chr12-40716989-C-T.
Other names: short protein forms P1846L.
Identifiers: ClinVar variation 1748172 (VCV001748172.2), dbSNP rs2499888811, ClinGen allele CA384421006.
Genomic context (GRCh38, chr12:40,323,187, plus strand): 5'-TTTTTATTTAAAAAATGTTTTATTACTTCTCAGGAGATCTCTTAGTAAATCCAGATCAAC[C>T]AAGGCTCACCATTCCAATATCTCAGATTGCCCCTGACTTGATTTTGGCTGACCTGCCTAG-3'
Protein context (NP_940980.4, residues 1836-1856): EGDLLVNPDQ[Pro1846Leu]RLTIPISQIA